The following is an entry in ClinVar:

NM_000238.4(KCNH2):c.290C>T (p.Ala97Val)

Gene: KCNH2 (potassium voltage-gated channel subfamily H member 2; minus strand). Cytogenetic location: 7q36.1.
Variant type: single nucleotide variant.
Coding change: c.290C>T on transcript NM_000238.4 (MANE Select); coding-DNA position 290, C replaced by T.
Protein change: p.Ala97Val; replaces alanine 97 with valine.
Molecular consequence: missense variant. On other transcripts: non-coding transcript variant (1).
Genome position (GRCh38, 1-based): chr7:150,974,728, G>A on the plus strand (C>T on the coding strand, the complement: KCNH2 is on the minus strand). VCF-style: chr7-150974728-G-A. GRCh37 (hg19) VCF-style: chr7-150671816-G-A.
Other names: c.113C>T, p.Ala38Val (NM_001406755.1); c.290C>T, p.Ala97Val (NM_172056.3); short protein forms A97V, A38V.
Identifiers: ClinVar variation 3680838 (VCV003680838.2).

ClinVar aggregate classification (germline): Uncertain significance (1 of 4 stars; one submission).

Conditions:
Long QT syndrome (LQTS). Identifiers: MedGen C0023976, MeSH D008133, MONDO:0002442. Disease mechanism: loss of function. Inheritance: Various modes of inheritance.

gnomAD v4.1: 2 of 1,602,366 alleles (0.00012%); highest among the groups gnomAD compares: African/African-American, 0.0013%; no homozygotes.

Submission:

Labcorp Genetics (formerly Invitae), Labcorp
Classification: Uncertain significance for Long QT syndrome. Last evaluated: 2024-03-18. Review status: criteria provided, single submitter. Criteria: Invitae Variant Classification Sherloc (09022015). Collection method: clinical testing. Allele origin: germline.
Comment: This sequence change replaces alanine, which is neutral and non-polar, with valine, which is neutral and non-polar, at codon 97 of the KCNH2 protein (p.Ala97Val). This variant is not present in population databases (gnomAD no frequency). This variant has not been reported in the literature in individuals affected with KCNH2-related conditions. An algorithm developed to predict the effect of missense changes on protein structure and function (PolyPhen-2) suggests that this variant is likely to be tolerated. In summary, the available evidence is currently insufficient to determine the role of this variant in disease. Therefore, it has been classified as a Variant of Uncertain Significance.